The following is an entry in ClinVar:

NM_002224.4(ITPR3):c.523G>A (p.Asp175Asn)

Gene: ITPR3 (inositol 1,4,5-trisphosphate receptor type 3; plus strand). Cytogenetic location: 6p21.31.
Variant type: single nucleotide variant.
Coding change: c.523G>A on transcript NM_002224.4 (MANE Select); coding-DNA position 523, G replaced by A.
Protein change: p.Asp175Asn; replaces aspartic acid 175 with asparagine.
Molecular consequence: missense variant.
Genome position (GRCh38, 1-based): chr6:33,658,823, G>A. VCF-style: chr6-33658823-G-A. GRCh37 (hg19) VCF-style: chr6-33626600-G-A.
Other names: short protein forms D175N.
Identifiers: ClinVar variation 3907941 (VCV003907941.1).

ClinVar aggregate classification (germline): Uncertain significance (1 of 4 stars; one submission).

Submission:

GeneDx
Classification: Uncertain significance. Last evaluated: 2024-12-30. Review status: criteria provided, single submitter. Criteria: GeneDx Variant Classification Process June 2021. Collection method: clinical testing. Allele origin: germline. Affected: yes.
Comment: Not observed at significant frequency in large population cohorts (gnomAD); In silico analysis supports that this missense variant has a deleterious effect on protein structure/function; Has not been previously published as pathogenic or benign to our knowledge